The following is an entry in ClinVar:

ClinVar aggregate classification (germline): Likely benign (1 of 4 stars; one submission).

Allele frequency attached by ClinVar (database versions not stated): 1000 Genomes Project 0.00060; 1000 Genomes Project 30x 0.00094; gnomAD exomes 0.00148; ExAC 0.00157; gnomAD 0.00157 and 0.00163; TOPMed 0.00157; ESP Exome Variant Server 0.00215.
gnomAD v4.1: 3,668 of 1,611,898 alleles (0.23%); highest among the groups gnomAD compares: Non-Finnish European, 0.28%; 5 homozygotes.

Submission:

CeGaT Center for Human Genetics Tuebingen
Classification: Likely benign. Last evaluated: 2026-08-01. Review status: criteria provided, single submitter. Criteria: CeGaT Center For Human Genetics Tuebingen Variant Classification Criteria Version 2. Collection method: clinical testing. Allele origin: germline. Affected: yes. Observed: 12 variant alleles.
Comment: CARS1: BP4, BP7

NM_001014437.3(CARS1):c.1620G>A (p.Lys540=)

Gene: CARS1 (cysteinyl-tRNA synthetase 1; minus strand). Cytogenetic location: 11p15.4.
Variant type: single nucleotide variant.
Coding change: c.1620G>A on transcript NM_001014437.3 (MANE Select); coding-DNA position 1620, G replaced by A.
Protein change: p.Lys540=; no amino-acid change (lysine 540 retained).
Molecular consequence: synonymous variant. On other transcripts: non-coding transcript variant (4).
Genome position (GRCh38, 1-based): chr11:3,018,417, C>T on the plus strand (G>A on the coding strand, the complement: CARS1 is on the minus strand). VCF-style: chr11-3018417-C-T. GRCh37 (hg19) VCF-style: chr11-3039647-C-T.
Other names: c.1620G>A, p.Lys540= (NM_001194997.2); c.1410G>A, p.Lys470= (NM_001378136.1); c.1341G>A, p.Lys447= (NM_001378137.1, NM_001378138.1, NM_001378139.1); c.1095G>A, p.Lys365= (NM_001378140.1); c.1371G>A, p.Lys457= (NM_001751.6, NM_139273.4).
Identifiers: ClinVar variation 1298504 (VCV001298504.35), dbSNP rs150252960, ClinGen allele CA5823942.